The following is an entry in ClinVar:

NM_001048174.2(MUTYH):c.1052A>G (p.Gln351Arg)

Gene: MUTYH (mutY DNA glycosylase; minus strand). Cytogenetic location: 1p34.1.
Variant type: single nucleotide variant.
Coding change: c.1052A>G on transcript NM_001048174.2 (MANE Select); coding-DNA position 1052, A replaced by G.
Protein change: p.Gln351Arg; replaces glutamine 351 with arginine.
Molecular consequence: missense variant. On other transcripts: non-coding transcript variant (2).
Genome position (GRCh38, 1-based): chr1:45,331,711, T>C on the plus strand (A>G on the coding strand, the complement: MUTYH is on the minus strand). VCF-style: chr1-45331711-T-C. GRCh37 (hg19) VCF-style: chr1-45797383-T-C.
Other names: c.1052A>G, p.Gln351Arg (NM_001048171.2, NM_001048173.2, NM_001293195.2 and 6 more transcripts); c.1055A>G, p.Gln352Arg (NM_001048172.2, NM_001407071.1, NM_001407078.1 and 1 more transcripts); c.1136A>G, p.Gln379Arg (NM_001128425.2); c.1097A>G, p.Gln366Arg (NM_001293190.2); c.1085A>G, p.Gln362Arg (NM_001293191.2, NM_001407069.1, NM_001407077.1); c.776A>G, p.Gln259Arg (NM_001293192.2, NM_001293196.2, NM_001407091.1); c.707A>G, p.Gln236Arg (NM_001350650.2, NM_001350651.2, NM_001407082.1); c.968A>G, p.Gln323Arg (NM_001407075.1); and 5 more; short protein forms Q351R, Q352R, Q365R, Q366R, Q259R, Q323R, Q337R, Q338R.
Identifiers: ClinVar variation 1729731 (VCV001729731.7), dbSNP rs2523997432, ClinGen allele CA340133433.

ClinVar aggregate classification (germline): Conflicting classifications of pathogenicity. Review status: criteria provided, conflicting classifications (1 of 4 stars). 3 submissions from 3 submitters: Uncertain significance (2); Benign (1). Last evaluated 2025-10-16.

Conditions:
Hereditary cancer-predisposing syndrome. Also called: Hereditary Cancer Syndrome; Hereditary neoplastic syndrome; Neoplastic Syndromes, Hereditary; Tumor predisposition. Identifiers: Orphanet 140162, MedGen C0027672, MeSH D009386, MONDO:0015356.
Familial adenomatous polyposis 2. Also called: MUTYH-associated polyposis; MUTYH-related attenuated familial adenomatous polyposis; FAP type 2; Adenomas, multiple colorectal; MYH-associated polyposis; MUTYH Polyposis. Identifiers: Orphanet 220460, Orphanet 247798, MedGen C3272841, MONDO:0012041, OMIM 608456.

Submissions (3):

Quest Diagnostics Nichols Institute San Juan Capistrano
Classification: Uncertain significance. Last evaluated: 2025-10-16. Review status: criteria provided, single submitter. Criteria: Quest Diagnostics criteria. Collection method: clinical testing. Allele origin: unknown.
Comment: The MUTYH c.1136A>G (p.Gln379Arg) variant has been reported in the published literature to retain its DNA repair activity in one experimental study of MUTYH function (PMID: 40738107 (2025)), however, further research is needed. This variant has not been reported in large, multi-ethnic general populations (Genome Aggregation Database). Analysis of this variant using bioinformatics tools for the prediction of the effect of amino acid changes on protein structure and function yielded predictions that this variant is benign. Based on the available information, we are unable to determine the clinical significance of this variant.

Ambry Genetics
Classification: Benign for Hereditary cancer-predisposing syndrome. Last evaluated: 2025-09-09. Review status: criteria provided, single submitter. Criteria: Ambry Variant Classification Scheme 2023. Collection method: clinical testing. Allele origin: germline.

Labcorp Genetics (formerly Invitae), Labcorp
Classification: Uncertain significance for Familial adenomatous polyposis 2. Last evaluated: 2025-01-12. Review status: criteria provided, single submitter. Criteria: Invitae Variant Classification Sherloc (09022015). Collection method: clinical testing. Allele origin: germline.
Comment: This sequence change replaces glutamine, which is neutral and polar, with arginine, which is basic and polar, at codon 379 of the MUTYH protein (p.Gln379Arg). This variant is not present in population databases (gnomAD no frequency). This variant has not been reported in the literature in individuals affected with MUTYH-related conditions. ClinVar contains an entry for this variant (Variation ID: 1729731). An algorithm developed to predict the effect of missense changes on protein structure and function (PolyPhen-2) suggests that this variant is likely to be tolerated. In summary, the available evidence is currently insufficient to determine the role of this variant in disease. Therefore, it has been classified as a Variant of Uncertain Significance.

Literature cited by the submitters: PubMed 40738107 (cited by Quest Diagnostics Nichols Institute San Juan Capistrano and Ambry Genetics).